The following is an entry in ClinVar:

NM_001197104.2(KMT2A):c.6949A>C (p.Lys2317Gln)

Gene: KMT2A (lysine methyltransferase 2A; plus strand). Cytogenetic location: 11q23.3.
Variant type: single nucleotide variant.
Coding change: c.6949A>C on transcript NM_001197104.2 (MANE Select); coding-DNA position 6949, A replaced by C.
Protein change: p.Lys2317Gln; replaces lysine 2317 with glutamine.
Molecular consequence: missense variant.
Genome position (GRCh38, 1-based): chr11:118,502,841, A>C. VCF-style: chr11-118502841-A-C. GRCh37 (hg19) VCF-style: chr11-118373556-A-C.
Other names: c.7039A>C, p.Lys2347Gln (NM_001412597.1); c.6940A>C, p.Lys2314Gln (NM_005933.4); short protein forms K2347Q, K2314Q, K2317Q.
Identifiers: ClinVar variation 3684031 (VCV003684031.2).

ClinVar aggregate classification (germline): Uncertain significance (1 of 4 stars; one submission).

Submission:

Labcorp Genetics (formerly Invitae), Labcorp
Classification: Uncertain significance. Last evaluated: 2024-06-03. Review status: criteria provided, single submitter. Criteria: Invitae Variant Classification Sherloc (09022015). Collection method: clinical testing. Allele origin: germline.
Comment: This sequence change replaces lysine, which is basic and polar, with glutamine, which is neutral and polar, at codon 2317 of the KMT2A protein (p.Lys2317Gln). This variant is not present in population databases (gnomAD no frequency). This variant has not been reported in the literature in individuals affected with KMT2A-related conditions. Advanced modeling of protein sequence and biophysical properties (such as structural, functional, and spatial information, amino acid conservation, physicochemical variation, residue mobility, and thermodynamic stability) performed at Invitae indicates that this missense variant is not expected to disrupt KMT2A protein function with a negative predictive value of 95%. In summary, the available evidence is currently insufficient to determine the role of this variant in disease. Therefore, it has been classified as a Variant of Uncertain Significance.